The following is an entry in ClinVar:

ClinVar aggregate classification (germline): Likely benign (0 of 4 stars; one submission).

Conditions:
TMTC2-related disorder. Also called: TMTC2-related condition.

Allele frequency attached by ClinVar (database versions not stated): gnomAD 0.00003; gnomAD exomes 0.00005; TOPMed 0.00013; ExAC 0.00021.
gnomAD v4.1: 75 of 1,613,856 alleles (0.0046%); highest among the groups gnomAD compares: Admixed American, 0.12%; no homozygotes.

Submission:

PreventionGenetics, part of Exact Sciences
Classification: Likely benign for TMTC2-related condition. Last evaluated: 2023-04-11. Review status: no assertion criteria provided. Collection method: clinical testing. Allele origin: germline.
Comment: This variant is classified as likely benign based on ACMG/AMP sequence variant interpretation guidelines (Richards et al. 2015 PMID: 25741868, with internal and published modifications).

NM_152588.3(TMTC2):c.908A>G (p.Lys303Arg)

Gene: TMTC2 (transmembrane O-mannosyltransferase targeting cadherins 2; plus strand). Cytogenetic location: 12q21.31.
Variant type: single nucleotide variant.
Coding change: c.908A>G on transcript NM_152588.3 (MANE Select); coding-DNA position 908, A replaced by G.
Protein change: p.Lys303Arg; replaces lysine 303 with arginine.
Molecular consequence: missense variant.
Genome position (GRCh38, 1-based): chr12:82,896,071, A>G. VCF-style: chr12-82896071-A-G. GRCh37 (hg19) VCF-style: chr12-83289850-A-G.
Other names: c.173A>G, p.Lys58Arg (NM_001320321.2); c.908A>G, p.Lys303Arg (NM_001320322.2); short protein forms K303R, K58R.
Identifiers: ClinVar variation 3054671 (VCV003054671.2), dbSNP rs749141031, ClinGen allele CA6706650.